The following is an entry in ClinVar:

NM_000245.4(MET):c.873C>T (p.Tyr291=)

Gene: MET (MET proto-oncogene, receptor tyrosine kinase; plus strand). Cytogenetic location: 7q31.2.
Variant type: single nucleotide variant.
Coding change: c.873C>T on transcript NM_000245.4 (MANE Select); coding-DNA position 873, C replaced by T.
Protein change: p.Tyr291=; no amino-acid change (tyrosine 291 retained).
Molecular consequence: synonymous variant. On other transcripts: intron variant (1).
Genome position (GRCh38, 1-based): chr7:116,699,957, C>T. VCF-style: chr7-116699957-C-T. GRCh37 (hg19) VCF-style: chr7-116340011-C-T.
Other names: c.873C>T, p.Tyr291= (NM_001127500.3, NM_001324401.3); c.-91+27380C>T (NM_001324402.2).
Identifiers: ClinVar variation 3773132 (VCV003773132.2).
Genomic context (GRCh38, chr7:116,699,957, plus strand): 5'-TCAGACTTTTCACACAAGAATAATCAGGTTCTGTTCCATAAACTCTGGATTGCATTCCTA[C>T]ATGGAAATGCCTCTGGAGTGTATTCTCACAGAAAAGAGAAAAAAGAGATCCACAAAGAAG-3'
Protein context (NP_000236.2, residues 281-301): FCSINSGLHS[Tyr291=]MEMPLECILT

ClinVar aggregate classification (germline): Benign/Likely benign. Review status: criteria provided, multiple submitters, no conflicts (2 of 4 stars). 2 submissions from 2 submitters: Benign (1); Likely benign (1). Last evaluated 2025-05-16.

Conditions:
Papillary renal cell carcinoma type 1 (RCCP1). Also called: Renal adenocarcinoma; Renal cell carcinoma 1; Renal cell carcinoma, somatic; RENAL CELL CARCINOMA, PAPILLARY, 1, SOMATIC. Identifiers: Orphanet 47044, MedGen C1336839, OMIM 605074, HP:0011797.
Hereditary cancer-predisposing syndrome. Also called: Neoplastic Syndromes, Hereditary; Tumor predisposition; Hereditary Cancer Syndrome; Hereditary neoplastic syndrome. Identifiers: Orphanet 140162, MedGen C0027672, MeSH D009386, MONDO:0015356.

Submissions (2):

Ambry Genetics
Classification: Likely benign for Hereditary cancer-predisposing syndrome. Last evaluated: 2025-05-16. Review status: criteria provided, single submitter. Criteria: Ambry Variant Classification Scheme 2023. Collection method: clinical testing. Allele origin: germline.

Myriad Genetics, Inc.
Classification: Benign for Papillary renal cell carcinoma type 1. Last evaluated: 2024-11-06. Review status: criteria provided, single submitter. Criteria: Myriad Autosomal Dominant, Autosomal Recessive and X-Linked Classification Criteria (2023). Collection method: clinical testing. Allele origin: unknown.
Comment: This variant is considered benign. This variant is a silent/synonymous amino acid change and it is not expected to impact splicing.